The following is an entry in ClinVar:

NM_001408.3(CELSR2):c.222T>G (p.Asp74Glu)

Gene: CELSR2 (cadherin EGF LAG seven-pass G-type receptor 2; plus strand). Cytogenetic location: 1p13.3.
Variant type: single nucleotide variant.
Coding change: c.222T>G on transcript NM_001408.3 (MANE Select); coding-DNA position 222, T replaced by G.
Protein change: p.Asp74Glu; replaces aspartic acid 74 with glutamic acid.
Molecular consequence: missense variant.
Genome position (GRCh38, 1-based): chr1:109,250,301, T>G. VCF-style: chr1-109250301-T-G. GRCh37 (hg19) VCF-style: chr1-109792923-T-G.
Other names: short protein forms D74E.
Identifiers: ClinVar variation 4225314 (VCV004225314.2).

ClinVar aggregate classification (germline): Uncertain significance. Review status: criteria provided, multiple submitters, no conflicts (2 of 4 stars). 2 submissions from 2 submitters: Uncertain significance (2). Last evaluated 2025-08-10.

gnomAD v4.1: 214 of 1,613,366 alleles (0.013%); highest among the groups gnomAD compares: Admixed American, 0.1%; no homozygotes.

Submissions (2):

Ambry Genetics
Classification: Uncertain significance. Last evaluated: 2025-08-10. Review status: criteria provided, single submitter. Criteria: Ambry Variant Classification Scheme 2023. Collection method: clinical testing. Allele origin: germline.

Labcorp Genetics (formerly Invitae), Labcorp
Classification: Uncertain significance. Last evaluated: 2025-06-03. Review status: criteria provided, single submitter. Criteria: Invitae Variant Classification Sherloc (09022015). Collection method: clinical testing. Allele origin: germline.
Comment: This sequence change replaces aspartic acid, which is acidic and polar, with glutamic acid, which is acidic and polar, at codon 74 of the CELSR2 protein (p.Asp74Glu). This variant is present in population databases (rs199921829, gnomAD 0.1%), and has an allele count higher than expected for a pathogenic variant. This variant has not been reported in the literature in individuals affected with CELSR2-related conditions. An algorithm developed to predict the effect of missense changes on protein structure and function (PolyPhen-2) suggests that this variant is likely to be tolerated. In summary, the available evidence is currently insufficient to determine the role of this variant in disease. Therefore, it has been classified as a Variant of Uncertain Significance.